The following is an entry in ClinVar:

NM_001042492.3(NF1):c.4246C>A (p.Pro1416Thr)

Gene: NF1 (neurofibromin 1; plus strand). Cytogenetic location: 17q11.2.
Variant type: single nucleotide variant.
Coding change: c.4246C>A on transcript NM_001042492.3 (MANE Select); coding-DNA position 4246, C replaced by A.
Protein change: p.Pro1416Thr; replaces proline 1416 with threonine.
Molecular consequence: missense variant.
Genome position (GRCh38, 1-based): chr17:31,258,416, C>A. VCF-style: chr17-31258416-C-A. GRCh37 (hg19) VCF-style: chr17-29585434-C-A.
Other names: c.4183C>A, p.Pro1395Thr (NM_000267.4); short protein forms P1395T, P1416T.
Identifiers: ClinVar variation 4686941 (VCV004686941.1).

ClinVar aggregate classification (germline): Uncertain significance (1 of 4 stars; one submission).

Submission:

GeneDx
Classification: Uncertain significance. Last evaluated: 2025-07-22. Review status: criteria provided, single submitter. Criteria: GeneDx Variant Classification Process June 2021. Collection method: clinical testing. Allele origin: germline. Affected: yes.
Comment: Not observed at significant frequency in large population cohorts (gnomAD); In silico analysis supports that this missense variant has a deleterious effect on protein structure/function; Has not been previously published as pathogenic or benign to our knowledge; This variant is associated with the following publications: (PMID: 22807134)